The following is an entry in ClinVar:

NM_017635.5(KMT5B):c.544G>T (p.Val182Leu)

Gene: KMT5B (lysine methyltransferase 5B; minus strand). Cytogenetic location: 11q13.2.
Variant type: single nucleotide variant.
Coding change: c.544G>T on transcript NM_017635.5 (MANE Select); coding-DNA position 544, G replaced by T.
Protein change: p.Val182Leu; replaces valine 182 with leucine.
Molecular consequence: missense variant. On other transcripts: 5 prime UTR variant (1), non-coding transcript variant (3).
Genome position (GRCh38, 1-based): chr11:68,173,913, C>A on the plus strand (G>T on the coding strand, the complement: KMT5B is on the minus strand). VCF-style: chr11-68173913-C-A. GRCh37 (hg19) VCF-style: chr11-67941380-C-A.
Other names: c.28G>T, p.Val10Leu (NM_001300907.1, NM_001369424.1, NM_001369428.1 and 5 more transcripts); c.-124G>T (NM_001300908.2); c.475G>T, p.Val159Leu (NM_001300909.2); c.544G>T, p.Val182Leu (NM_001363566.2, NM_001369426.1, NM_001369427.1 and 1 more transcripts); c.331G>T, p.Val111Leu (NM_001369425.1); short protein forms V10L, V111L, V159L, V182L.
Identifiers: ClinVar variation 2502481 (VCV002502481.1), dbSNP rs2495348905, ClinGen allele CA381605767.

ClinVar aggregate classification (germline): Likely pathogenic (1 of 4 stars; one submission).

Submission:

GeneDx
Classification: Likely pathogenic. Last evaluated: 2022-11-18. Review status: criteria provided, single submitter. Criteria: GeneDx Variant Classification Process June 2021. Collection method: clinical testing. Allele origin: germline. Affected: yes.
Comment: Not observed at significant frequency in large population cohorts (gnomAD); In silico analysis supports that this missense variant has a deleterious effect on protein structure/function; In silico analysis supports that this missense variant does not alter protein structure/function; Has not been previously published as pathogenic or benign to our knowledge